The following is an entry in ClinVar:

ClinVar aggregate classification (germline): Uncertain significance. Review status: criteria provided, multiple submitters, no conflicts (2 of 4 stars). 2 submissions from 2 submitters: Uncertain significance (2). Last evaluated 2024-07-18.

Conditions:
Hereditary cancer-predisposing syndrome. Also called: Tumor predisposition; Neoplastic Syndromes, Hereditary; Hereditary Cancer Syndrome; Hereditary neoplastic syndrome. Identifiers: Orphanet 140162, MedGen C0027672, MeSH D009386, MONDO:0015356.
Gastrointestinal stromal tumor. Also called: Gastrointestinal stroma tumor; Gastrointestinal stromal tumor, somatic. Identifiers: Orphanet 44890, MedGen C0238198, MeSH D046152, MONDO:0011719, OMIM 606764, HP:0100723.

Submissions (2):

Ambry Genetics
Classification: Uncertain significance for Hereditary cancer-predisposing syndrome. Last evaluated: 2024-07-18. Review status: criteria provided, single submitter. Criteria: Ambry Variant Classification Scheme 2023. Collection method: clinical testing. Allele origin: germline.
Comment: The p.R177C variant (also known as c.529C>T), located in coding exon 3 of the KIT gene, results from a C to T substitution at nucleotide position 529. The arginine at codon 177 is replaced by cysteine, an amino acid with highly dissimilar properties. This amino acid position is conserved. In addition, the in silico prediction for this alteration is inconclusive. Based on the available evidence, the clinical significance of this variant remains unclear.

Labcorp Genetics (formerly Invitae), Labcorp
Classification: Uncertain significance for Gastrointestinal stromal tumor. Last evaluated: 2022-08-21. Review status: criteria provided, single submitter. Criteria: Invitae Variant Classification Sherloc (09022015). Collection method: clinical testing. Allele origin: germline.
Comment: In summary, the available evidence is currently insufficient to determine the role of this variant in disease. Therefore, it has been classified as a Variant of Uncertain Significance. Algorithms developed to predict the effect of missense changes on protein structure and function (SIFT, PolyPhen-2, Align-GVGD) all suggest that this variant is likely to be disruptive. This variant has not been reported in the literature in individuals affected with KIT-related conditions. This variant is not present in population databases (gnomAD no frequency). This sequence change replaces arginine, which is basic and polar, with cysteine, which is neutral and slightly polar, at codon 177 of the KIT protein (p.Arg177Cys).

NM_000222.3(KIT):c.529C>T (p.Arg177Cys)

Gene: KIT (KIT proto-oncogene, receptor tyrosine kinase; plus strand). Cytogenetic location: 4q12.
Variant type: single nucleotide variant.
Coding change: c.529C>T on transcript NM_000222.3 (MANE Select); coding-DNA position 529, C replaced by T.
Protein change: p.Arg177Cys; replaces arginine 177 with cysteine.
Molecular consequence: missense variant.
Genome position (GRCh38, 1-based): chr4:54,698,475, C>T. VCF-style: chr4-54698475-C-T. GRCh37 (hg19) VCF-style: chr4-55564641-C-T.
Other names: c.529C>T, p.Arg177Cys (NM_001093772.2, NM_001385284.1, NM_001385285.1 and 4 more transcripts); short protein forms R177C.
Identifiers: ClinVar variation 1717363 (VCV001717363.7), dbSNP rs2109673929, ClinGen allele CA356897785.
Genomic context (GRCh38, chr4:54,698,475, plus strand): 5'-CCCAAGGACTTGAGGTTTATTCCTGACCCCAAGGCGGGCATCATGATCAAAAGTGTGAAA[C>T]GCGCCTACCATCGGCTCTGTCTGCATTGTTCTGTGGACCAGGAGGGCAAGTCAGTGCTGT-3'
Protein context (NP_000213.1, residues 167-187): KAGIMIKSVK[Arg177Cys]AYHRLCLHCS